The following is an entry in ClinVar:

NM_007180.3(TREH):c.768C>T (p.Asp256=)

Gene: TREH (trehalase; minus strand). Cytogenetic location: 11q23.3.
Variant type: single nucleotide variant.
Coding change: c.768C>T on transcript NM_007180.3 (MANE Select); coding-DNA position 768, C replaced by T.
Protein change: p.Asp256=; no amino-acid change (aspartic acid 256 retained).
Molecular consequence: synonymous variant.
Genome position (GRCh38, 1-based): chr11:118,661,249, G>A on the plus strand (C>T on the coding strand, the complement: TREH is on the minus strand). VCF-style: chr11-118661249-G-A. GRCh37 (hg19) VCF-style: chr11-118531958-G-A.
Other names: c.675C>T, p.Asp225= (NM_001301065.2).
Identifiers: ClinVar variation 3029924 (VCV003029924.2), dbSNP rs782533738, ClinGen allele CA6308005.
Genomic context (GRCh38, chr11:118,661,249, plus strand): 5'-ATTCAGGAGGTAGTTCTTTCCCTCCAAGCTCACAGAGACAGTCCTGTTCTTGGTCCAAAA[G>A]TCCAATTCCAAGGCTAGTGTTTCAATGTTTTCCCTGGAGTGAAGCAGACAACACCTCAGC-3'
Protein context (NP_009111.2, residues 246-266): ENIETLALEL[Asp256=]FWTKNRTVSV

ClinVar aggregate classification (germline): Likely benign (0 of 4 stars; one submission).

Conditions:
TREH-related disorder. Also called: TREH-related condition.

Allele frequency attached by ClinVar (database versions not stated): gnomAD exomes below 0.00001; ExAC 0.00001; TOPMed 0.00001.
gnomAD v4.1: 2 of 1,613,958 alleles (0.00012%); highest among the groups gnomAD compares: Admixed American, 0.0033%; no homozygotes.

Submission:

PreventionGenetics, part of Exact Sciences
Classification: Likely benign for TREH-related condition. Last evaluated: 2022-06-23. Review status: no assertion criteria provided. Collection method: clinical testing. Allele origin: germline.
Comment: This variant is classified as likely benign based on ACMG/AMP sequence variant interpretation guidelines (Richards et al. 2015 PMID: 25741868, with internal and published modifications).